The following is an entry in ClinVar:

NM_003024.3(ITSN1):c.2004C>T (p.Asp668=)

Gene: ITSN1 (intersectin 1; plus strand). Cytogenetic location: 21q22.11.
Variant type: single nucleotide variant.
Coding change: c.2004C>T on transcript NM_003024.3 (MANE Select); coding-DNA position 2004, C replaced by T.
Protein change: p.Asp668=; no amino-acid change (aspartic acid 668 retained).
Molecular consequence: synonymous variant.
Genome position (GRCh38, 1-based): chr21:33,797,430, C>T. VCF-style: chr21-33797430-C-T. GRCh37 (hg19) VCF-style: chr21-35169734-C-T.
Other names: c.2004C>T, p.Asp668= (NM_001001132.2, NM_001331008.2, NM_001331009.2 and 2 more transcripts); c.1893C>T, p.Asp631= (NM_001331012.2).
Identifiers: ClinVar variation 4982972 (VCV004982972.1).

ClinVar aggregate classification (germline): Likely benign (1 of 4 stars; one submission).

Conditions:
ITSN1-related disorder. Also called: ITSN1-related condition.

gnomAD v4.1: 15 of 1,613,678 alleles (0.00093%); highest among the groups gnomAD compares: African/African-American, 0.004%; no homozygotes.

Submission:

PreventionGenetics, part of Exact Sciences
Classification: Likely benign for ITSN1-related condition. Last evaluated: 2026-04-27. Review status: criteria provided, single submitter. Criteria: ACMG Guidelines, 2015. Collection method: clinical testing. Allele origin: germline.
Comment: This variant is classified as likely benign based on ACMG/AMP sequence variant interpretation guidelines (Richards et al. 2015 PMID: 25741868, with internal and published modifications).